The following is an entry in ClinVar:

ClinVar aggregate classification (germline): Uncertain significance (1 of 4 stars; one submission).

Submission:

GeneDx
Classification: Uncertain significance. Last evaluated: 2023-05-09. Review status: criteria provided, single submitter. Criteria: GeneDx Variant Classification Process June 2021. Collection method: clinical testing. Allele origin: germline. Affected: yes.
Comment: Not observed at significant frequency in large population cohorts (gnomAD); In-frame deletion of 1 amino acid in a non-repeat region; In silico analysis supports a deleterious effect on protein structure/function; Has not been previously published as pathogenic or benign to our knowledge

NM_198253.3(TERT):c.1474AAG[1] (p.Lys493del)

Gene: TERT (telomerase reverse transcriptase; minus strand). Cytogenetic location: 5p15.33.
Variant type: Microsatellite.
Coding change: c.1474AAG[1] on transcript NM_198253.3 (MANE Select); one copy of the 3-base unit AAG starting at c.1474; the reference has two copies in a row; one copy, 3 bases deleted; also written c.1477_1479del.
Protein change: p.Lys493del; deletes lysine 493.
Molecular consequence: inframe deletion. On other transcripts: inframe indel (3), non-coding transcript variant (2).
Genome position (GRCh38, 1-based): chr5:1,293,407-1,293,409, CTT deleted on the plus strand (AAG on the coding strand, the reverse complement: TERT is on the minus strand); deleting any 3 consecutive bases within chr5:1,293,407-1,293,412 gives the same sequence; the position shown is the placement nearest the transcript's 3' end. VCF-style (leftmost placement, unchanged base first): chr5-1293406-ACTT-A. GRCh37 (hg19) VCF-style: chr5-1293521-ACTT-A.
Other names: c.1474AAG[1], p.Lys493del (NM_001193376.3); c.1474_1476AAG[1], p.Lys493del (NM_003219.1, NM_198253.2); c.1477_1479del (NM_198253.2); short protein forms K493del.
Identifiers: ClinVar variation 2662280 (VCV002662280.1), dbSNP rs2478408916, ClinGen allele CA2695198576.